The following is an entry in ClinVar:

ClinVar aggregate classification (germline): Uncertain significance (1 of 4 stars; one submission).

Allele frequency attached by ClinVar (database versions not stated): gnomAD exomes below 0.00001.
gnomAD v4.1: 3 of 1,614,094 alleles (0.00019%); highest among the groups gnomAD compares: Non-Finnish European, 0.00017%; no homozygotes.

Submission:

Labcorp Genetics (formerly Invitae), Labcorp
Classification: Uncertain significance. Last evaluated: 2023-12-19. Review status: criteria provided, single submitter. Criteria: Invitae Variant Classification Sherloc (09022015). Collection method: clinical testing. Allele origin: germline.
Comment: This sequence change replaces serine, which is neutral and polar, with phenylalanine, which is neutral and non-polar, at codon 328 of the PISD protein (p.Ser328Phe). This variant is present in population databases (no rsID available, gnomAD 0.3%). This variant has not been reported in the literature in individuals affected with PISD-related conditions. Advanced modeling of protein sequence and biophysical properties (such as structural, functional, and spatial information, amino acid conservation, physicochemical variation, residue mobility, and thermodynamic stability) performed at Invitae indicates that this missense variant is expected to disrupt PISD protein function with a positive predictive value of 80%. In summary, the available evidence is currently insufficient to determine the role of this variant in disease. Therefore, it has been classified as a Variant of Uncertain Significance.

NM_001326411.2(PISD):c.983C>T (p.Ser328Phe)

Gene: PISD (phosphatidylserine decarboxylase; minus strand). Cytogenetic location: 22q12.2.
Variant type: single nucleotide variant.
Coding change: c.983C>T on transcript NM_001326411.2 (MANE Select); coding-DNA position 983, C replaced by T.
Protein change: p.Ser328Phe; replaces serine 328 with phenylalanine.
Molecular consequence: missense variant. On other transcripts: intron variant (1).
Genome position (GRCh38, 1-based): chr22:31,620,575, G>A on the plus strand (C>T on the coding strand, the complement: PISD is on the minus strand). VCF-style: chr22-31620575-G-A. GRCh37 (hg19) VCF-style: chr22-32016561-G-A.
Other names: c.920C>T, p.Ser307Phe (NM_001326412.1, NM_001326413.2, NM_001326414.2); c.881C>T, p.Ser294Phe (NM_001326415.2, NM_001326416.2, NM_001326417.2 and 2 more transcripts); c.803C>T, p.Ser268Phe (NM_001326418.2); c.767C>T, p.Ser256Phe (NM_001326419.2); c.689C>T, p.Ser230Phe (NM_001326420.2); c.844+421C>T (NM_001326421.1); short protein forms S294F, S307F, S256F, S268F, S328F, S230F.
Identifiers: ClinVar variation 2783798 (VCV002783798.3), dbSNP rs1227363678, ClinGen allele CA411285088.